The following is an entry in ClinVar:

ClinVar aggregate classification (germline): Uncertain significance (1 of 4 stars; one submission).

gnomAD v4.1: 5 of 1,613,424 alleles (0.00031%); highest among the groups gnomAD compares: Admixed American, 0.0017%; no homozygotes.

Submission:

Labcorp Genetics (formerly Invitae), Labcorp
Classification: Uncertain significance. Last evaluated: 2025-02-23. Review status: criteria provided, single submitter. Criteria: Invitae Variant Classification Sherloc (09022015). Collection method: clinical testing. Allele origin: germline.
Comment: This sequence change replaces proline, which is neutral and non-polar, with serine, which is neutral and polar, at codon 2548 of the DCHS1 protein (p.Pro2548Ser). This variant is not present in population databases (gnomAD no frequency). This variant has not been reported in the literature in individuals affected with DCHS1-related conditions. Invitae Evidence Modeling of protein sequence and biophysical properties (such as structural, functional, and spatial information, amino acid conservation, physicochemical variation, residue mobility, and thermodynamic stability) indicates that this missense variant is not expected to disrupt DCHS1 protein function with a negative predictive value of 95%. In summary, the available evidence is currently insufficient to determine the role of this variant in disease. Therefore, it has been classified as a Variant of Uncertain Significance.

NM_003737.4(DCHS1):c.7642C>T (p.Pro2548Ser)

Gene: DCHS1 (dachsous cadherin-related 1; minus strand). Cytogenetic location: 11p15.4.
Variant type: single nucleotide variant.
Coding change: c.7642C>T on transcript NM_003737.4 (MANE Select); coding-DNA position 7642, C replaced by T.
Protein change: p.Pro2548Ser; replaces proline 2548 with serine.
Molecular consequence: missense variant.
Genome position (GRCh38, 1-based): chr11:6,624,034, G>A on the plus strand (C>T on the coding strand, the complement: DCHS1 is on the minus strand). VCF-style: chr11-6624034-G-A. GRCh37 (hg19) VCF-style: chr11-6645265-G-A.
Other names: short protein forms P2548S.
Identifiers: ClinVar variation 4768843 (VCV004768843.1).